The following is an entry in ClinVar:

ClinVar aggregate classification (germline): Conflicting classifications of pathogenicity. Review status: criteria provided, conflicting classifications (1 of 4 stars). 5 submissions from 5 submitters: Uncertain significance (4); Likely benign (1). Last evaluated 2025-11-10.

Conditions:
Inborn genetic diseases. Identifiers: MedGen C0950123, MeSH D030342.
Dyskeratosis congenita, autosomal recessive 5 (DKCB5). Identifiers: MedGen C3554656, MONDO:0014076, OMIM 615190.
Pulmonary fibrosis and/or bone marrow failure, Telomere-related, 3. Also called: PULMONARY FIBROSIS AND/OR BONE MARROW FAILURE SYNDROME, TELOMERE-RELATED, 3. Identifiers: Orphanet 2032, MedGen C4225346, MONDO:0014613, OMIM 616373.

Allele frequency attached by ClinVar (database versions not stated): ExAC 0.00002.
gnomAD v4.1: 20 of 1,612,514 alleles (0.0012%); highest among the groups gnomAD compares: Admixed American, 0.033%; no homozygotes.

Submissions (5):

Labcorp Genetics (formerly Invitae), Labcorp
Classification: Uncertain significance for Dyskeratosis congenita, autosomal recessive 5; Pulmonary fibrosis and/or bone marrow failure, Telomere-related, 3. Last evaluated: 2025-11-10. Review status: criteria provided, single submitter. Criteria: Invitae Variant Classification Sherloc (09022015). Collection method: clinical testing. Allele origin: germline.
Comment: This sequence change replaces alanine, which is neutral and non-polar, with serine, which is neutral and polar, at codon 933 of the RTEL1 protein (p.Ala933Ser). This variant is present in population databases (rs781430438, gnomAD 0.04%). This variant has not been reported in the literature in individuals affected with RTEL1-related conditions. ClinVar contains an entry for this variant (Variation ID: 1401653). An algorithm developed to predict the effect of missense changes on protein structure and function (PolyPhen-2) suggests that this variant is likely to be tolerated. In summary, the available evidence is currently insufficient to determine the role of this variant in disease. Therefore, it has been classified as a Variant of Uncertain Significance.

Ambry Genetics
Classification: Uncertain significance for Inborn genetic diseases. Last evaluated: 2024-11-22. Review status: criteria provided, single submitter. Criteria: Ambry Variant Classification Scheme 2023. Collection method: clinical testing. Allele origin: germline.
Comment: The p.A933S variant (also known as c.2797G>T), located in coding exon 28 of the RTEL1 gene, results from a G to T substitution at nucleotide position 2797. The alanine at codon 933 is replaced by serine, an amino acid with similar properties. This amino acid position is conserved. In addition, this alteration is predicted to be tolerated by in silico analysis. Based on the available evidence, the clinical significance of this variant remains unclear.

GeneDx
Classification: Uncertain significance. Last evaluated: 2024-09-04. Review status: criteria provided, single submitter. Criteria: GeneDx Variant Classification Process June 2021. Collection method: clinical testing. Allele origin: germline.
Comment: In silico analysis indicates that this missense variant does not alter protein structure/function; Has not been previously published as pathogenic or benign to our knowledge

Fulgent Genetics
Classification: Uncertain significance for Dyskeratosis congenita, autosomal recessive 5; Pulmonary fibrosis and/or bone marrow failure, Telomere-related, 3. Last evaluated: 2024-05-23. Review status: criteria provided, single submitter. Criteria: ACMG Guidelines, 2015. Collection method: clinical testing. Allele origin: germline.

Blueprint Genetics
Classification: Likely benign. Last evaluated: 2019-09-24. Review status: criteria provided, single submitter. Criteria: ACMG Guidelines, 2015. Collection method: clinical testing. Allele origin: germline.

NM_001283009.2(RTEL1):c.2797G>T (p.Ala933Ser)

Genes: RTEL1 (regulator of telomere elongation helicase 1; plus strand), RTEL1-TNFRSF6B (RTEL1-TNFRSF6B readthrough (NMD candidate); plus strand). Cytogenetic location: 20q13.33.
Variant type: single nucleotide variant.
Coding change: c.2797G>T on transcript NM_001283009.2 (MANE Select); coding-DNA position 2797, G replaced by T.
Protein change: p.Ala933Ser; replaces alanine 933 with serine.
Molecular consequence: missense variant. On other transcripts: non-coding transcript variant (1).
Genome position (GRCh38, 1-based): chr20:63,692,949, G>T. VCF-style: chr20-63692949-G-T. GRCh37 (hg19) VCF-style: chr20-62324302-G-T.
Other names: c.2869G>T (NM_032957.4); c.2128G>T, p.Ala710Ser (NM_001283010.1); c.2797G>T, p.Ala933Ser (NM_016434.4); c.2869G>T, p.Ala957Ser (NM_032957.5); short protein forms A933S, A710S, A957S.
Identifiers: ClinVar variation 1401653 (VCV001401653.12), dbSNP rs781430438, ClinGen allele CA9965542.